The following is an entry in ClinVar:

ClinVar aggregate classification (germline): Benign. Review status: criteria provided, multiple submitters, no conflicts (2 of 4 stars). 4 submissions from 4 submitters: Benign (4). Last evaluated 2026-02-02.

Conditions:
Autosomal dominant limb-girdle muscular dystrophy type 1F (LGMDD2). Also called: Limb-girdle muscular dystrophy, type 1F; MUSCULAR DYSTROPHY, LIMB-GIRDLE, AUTOSOMAL DOMINANT 2. Identifiers: Orphanet 55595, MedGen C1842062, MONDO:0012034, OMIM 608423.

Allele frequency attached by ClinVar (database versions not stated): 1000 Genomes Project 30x 0.01905; ESP Exome Variant Server 0.02783; TOPMed 0.02438; ExAC 0.03058; 1000 Genomes Project 0.01937; gnomAD 0.02517 and 0.02579; gnomAD exomes 0.03057 and 0.03524.
gnomAD v4.1: 55,344 of 1,613,082 alleles (3.4%); highest among the groups gnomAD compares: Middle Eastern, 6.3%; 1,156 homozygotes.

Submissions (4):

Labcorp Genetics (formerly Invitae), Labcorp
Classification: Benign for Autosomal dominant limb-girdle muscular dystrophy type 1F. Last evaluated: 2026-02-02. Review status: criteria provided, single submitter. Criteria: Invitae Variant Classification Sherloc (09022015). Collection method: clinical testing. Allele origin: germline.

GeneDx
Classification: Benign. Last evaluated: 2016-01-19. Review status: criteria provided, single submitter. Criteria: GeneDx Variant Classification (06012015). Collection method: clinical testing. Allele origin: germline. Affected: yes.
Comment: This variant is considered likely benign or benign based on one or more of the following criteria: it is a conservative change, it occurs at a poorly conserved position in the protein, it is predicted to be benign by multiple in silico algorithms, and/or has population frequency not consistent with disease.

Breakthrough Genomics
Classification: Benign. Review status: criteria provided, single submitter. Criteria: ACMG Guidelines, 2015. Collection method: not provided. Allele origin: germline. Inheritance: Autosomal dominant inheritance. Affected: yes.

PreventionGenetics, part of Exact Sciences
Classification: Benign. Review status: criteria provided, single submitter. Criteria: ACMG Guidelines, 2015. Collection method: clinical testing. Allele origin: germline.

NM_012470.4(TNPO3):c.321+16C>T

Gene: TNPO3 (transportin 3; minus strand). Cytogenetic location: 7q32.1.
Variant type: single nucleotide variant.
Coding change: c.321+16C>T on transcript NM_012470.4 (MANE Select); 16 bases into the intron after coding-DNA position 321, C replaced by T.
Molecular consequence: intron variant.
Genome position (GRCh38, 1-based): chr7:129,017,941, G>A on the plus strand (C>T on the coding strand, the complement: TNPO3 is on the minus strand). VCF-style: chr7-129017941-G-A. GRCh37 (hg19) VCF-style: chr7-128657995-G-A.
Other names: c.321+16C>T (NM_001382221.1, NM_001382222.1, NM_001382219.1 and 6 more transcripts).
Identifiers: ClinVar variation 260266 (VCV000260266.10), dbSNP rs17424179, ClinGen allele CA4478427.
Genomic context (GRCh38, chr7:129,017,941, plus strand): 5'-AGCAATACGAATTAAAACAATCCTGATAAATCCAAATGGCCATACAAATTTCTCTAATGA[G>A]AAGCACAGGATTTACCTGCGTTACAATAACAGGTGACAAGTCTTTCAAGTTCTGGATATG-3'